The following is an entry in ClinVar:

ClinVar aggregate classification (germline): Uncertain significance (1 of 4 stars; one submission).

Conditions:
Cystic fibrosis (CF). Also called: MUCOVISCIDOSIS. Identifiers: Orphanet 586, MedGen C0010674, MONDO:0009061, OMIM 219700. Disease mechanism: loss of function.

Submission:

Ambry Genetics
Classification: Uncertain significance for Cystic fibrosis. Last evaluated: 2025-06-06. Review status: criteria provided, single submitter. Criteria: Ambry Variant Classification Scheme 2023. Collection method: clinical testing. Allele origin: germline.
Comment: The p.P1451A variant (also known as c.4351C>G), located in coding exon 27 of the CFTR gene, results from a C to G substitution at nucleotide position 4351. The proline at codon 1451 is replaced by alanine, an amino acid with highly similar properties. This amino acid position is conserved. In addition, the in silico prediction for this alteration is inconclusive. Based on the available evidence, the clinical significance of this variant remains unclear.

NM_000492.4(CFTR):c.4351C>G (p.Pro1451Ala)

Genes: CFTR (CF transmembrane conductance regulator; plus strand), LOC111674477 (CFTR intron 23 enhancer; plus strand). Cytogenetic location: 7q31.2.
Variant type: single nucleotide variant.
Coding change: c.4351C>G on transcript NM_000492.4 (MANE Select); coding-DNA position 4351, C replaced by G.
Protein change: p.Pro1451Ala; replaces proline 1451 with alanine.
Molecular consequence: missense variant.
Genome position (GRCh38, 1-based): chr7:117,667,016, C>G. VCF-style: chr7-117667016-C-G. GRCh37 (hg19) VCF-style: chr7-117307070-C-G.
Other names: short protein forms P1451A.
Identifiers: ClinVar variation 4001886 (VCV004001886.1).